The following is an entry in ClinVar:

ClinVar aggregate classification (germline): Uncertain significance (1 of 4 stars; one submission).

Conditions:
Alopecia-intellectual disability syndrome 4. Also called: ALOPECIA-MENTAL RETARDATION SYNDROME 4. Identifiers: MedGen C5394241, MONDO:0030009, OMIM 618840.

Submission:

New York Genome Center
Classification: Uncertain significance for Alopecia-intellectual disability syndrome 4. Last evaluated: 2022-02-05. Review status: criteria provided, single submitter. Criteria: NYGC Assertion Criteria 2020. Collection method: clinical testing. Allele origin: inherited. Observed: 1 compound heterozygote. Study: CSER-NYCKidSeq.
Comment: The inherited heterozygous c.22C>G, p.Arg8Gly missense variant identified in the LSS gene has not been reported in affected individuals in the literature or in the ClinVar database. The variant isabsent from gnomAD(v3) database suggesting it is not a common benign variant in the populations represented in that database. The variant affects a moderately conserved residue. In silico tools provide conflicting predictions about potential pathogenicity of this variant (CADD score = 33, REVEL score = 0.192). Based on the available evidence, the inherited heterozygous c.22C>G, p.Arg8Gly missense variant identified in the LSS gene is reported as a Variant of Uncertain Significance.

NM_002340.6(LSS):c.22C>G (p.Arg8Gly)

Gene: LSS (lanosterol synthase; minus strand). Cytogenetic location: 21q22.3.
Variant type: single nucleotide variant.
Coding change: c.22C>G on transcript NM_002340.6 (MANE Select); coding-DNA position 22, C replaced by G.
Protein change: p.Arg8Gly; replaces arginine 8 with glycine.
Molecular consequence: missense variant. On other transcripts: 5 prime UTR variant (1).
Genome position (GRCh38, 1-based): chr21:46,228,592, G>C on the plus strand (C>G on the coding strand, the complement: LSS is on the minus strand). VCF-style: chr21-46228592-G-C. GRCh37 (hg19) VCF-style: chr21-47648506-G-C.
Other names: c.22C>G, p.Arg8Gly (NM_001001438.3, NM_001145436.2); c.-219C>G (NM_001145437.2); short protein forms R8G.
Identifiers: ClinVar variation 1701719 (VCV001701719.1), dbSNP rs2123773478, ClinGen allele CA410529692.